The following is an entry in ClinVar:

NM_001195263.2(PDZD7):c.2157C>T (p.Asp719=)

Gene: PDZD7 (PDZ domain containing 7; minus strand). Cytogenetic location: 10q24.31.
Variant type: single nucleotide variant.
Coding change: c.2157C>T on transcript NM_001195263.2 (MANE Select); coding-DNA position 2157, C replaced by T.
Protein change: p.Asp719=; no amino-acid change (aspartic acid 719 retained).
Molecular consequence: synonymous variant.
Genome position (GRCh38, 1-based): chr10:101,010,732, G>A on the plus strand (C>T on the coding strand, the complement: PDZD7 is on the minus strand). VCF-style: chr10-101010732-G-A. GRCh37 (hg19) VCF-style: chr10-102770489-G-A.
Identifiers: ClinVar variation 164939 (VCV000164939.18), dbSNP rs77081173, ClinGen allele CA177620.

ClinVar aggregate classification (germline): Benign. Review status: criteria provided, multiple submitters, no conflicts (2 of 4 stars). 4 submissions from 4 submitters: Benign (4). Last evaluated 2026-02-01.

Allele frequency attached by ClinVar (database versions not stated): ExAC 0.00102; gnomAD exomes 0.00295; gnomAD 0.01420 and 0.01489; TOPMed 0.01586; 1000 Genomes Project 0.01597; 1000 Genomes Project 30x 0.01655.
gnomAD v4.1: 3,890 of 1,295,638 alleles (0.3%); highest among the groups gnomAD compares: African/African-American, 5.3%; 96 homozygotes.

Submissions (4):

Labcorp Genetics (formerly Invitae), Labcorp
Classification: Benign. Last evaluated: 2026-02-01. Review status: criteria provided, single submitter. Criteria: Invitae Variant Classification Sherloc (09022015). Collection method: clinical testing. Allele origin: germline.

GeneDx
Classification: Benign. Last evaluated: 2019-12-31. Review status: criteria provided, single submitter. Criteria: GeneDx Variant Classification Process June 2021. Collection method: clinical testing. Allele origin: germline. Affected: yes.

Laboratory for Molecular Medicine, Mass General Brigham Personalized Medicine
Classification: Benign. Last evaluated: 2012-05-07. Review status: criteria provided, single submitter. Criteria: LMM Criteria. Collection method: clinical testing. Allele origin: germline. Observed: 3 variant alleles.
Comment: "Asp719Asp in Exon 15 of PDZD7: This variant is not expected to have clinical si gnificance because it does not alter an amino acid residue, is not located withi n the splice consensus sequence, and has been identified in 15.3% (18/118) of ch romosomes from a population in the dbSNP database (rojects/SNP; rs77081173)."

Breakthrough Genomics
Classification: Benign. Review status: criteria provided, single submitter. Criteria: ACMG Guidelines, 2015. Collection method: not provided. Allele origin: germline. Inheritance: Autosomal recessive inheritance. Affected: yes.